The following is an entry in ClinVar:

NM_004260.4(RECQL4):c.1921A>G (p.Thr641Ala)

Gene: RECQL4 (RecQ like helicase 4; minus strand). Cytogenetic location: 8q24.3.
Variant type: single nucleotide variant.
Coding change: c.1921A>G on transcript NM_004260.4 (MANE Select); coding-DNA position 1921, A replaced by G.
Protein change: p.Thr641Ala; replaces threonine 641 with alanine.
Molecular consequence: missense variant. On other transcripts: non-coding transcript variant (3).
Genome position (GRCh38, 1-based): chr8:144,514,065, T>C on the plus strand (A>G on the coding strand, the complement: RECQL4 is on the minus strand). VCF-style: chr8-144514065-T-C. GRCh37 (hg19) VCF-style: chr8-145739449-T-C.
Other names: c.850A>G, p.Thr284Ala (NM_001413022.1, NM_001413023.1, NM_001413024.1 and 6 more transcripts); c.1792A>G, p.Thr598Ala (NM_001413025.1); c.784A>G, p.Thr262Ala (NM_001413027.1, NM_001413030.1, NM_001413032.1 and 1 more transcripts); c.1570A>G, p.Thr524Ala (NM_001413029.1); c.652A>G, p.Thr218Ala (NM_001413031.1); c.1789A>G, p.Thr597Ala (NM_001413033.1); c.1921A>G, p.Thr641Ala (NM_001413036.1, NM_001413018.1, NM_001413019.1); c.718A>G, p.Thr240Ala (NM_001413037.1); and 5 more; short protein forms T524A, T641A, T218A, T284A, T597A, T609A, T274A, T262A.
Identifiers: ClinVar variation 2965173 (VCV002965173.4), dbSNP rs1564798230, ClinGen allele CA372680482.

ClinVar aggregate classification (germline): Uncertain significance. Review status: criteria provided, multiple submitters, no conflicts (2 of 4 stars). 2 submissions from 2 submitters: Uncertain significance (2). Last evaluated 2025-05-05.

Conditions:
Baller-Gerold syndrome (BGS). Also called: CRANIOSYNOSTOSIS WITH RADIAL DEFECTS. Identifiers: Orphanet 1225, MedGen C0265308, MONDO:0009039, OMIM 218600.
Inborn genetic diseases. Identifiers: MedGen C0950123, MeSH D030342.

Submissions (2):

Ambry Genetics
Classification: Uncertain significance for Inborn genetic diseases. Last evaluated: 2025-05-05. Review status: criteria provided, single submitter. Criteria: Ambry Variant Classification Scheme 2023. Collection method: clinical testing. Allele origin: germline.
Comment: The p.T641A variant (also known as c.1921A>G), located in coding exon 12 of the RECQL4 gene, results from an A to G substitution at nucleotide position 1921. The threonine at codon 641 is replaced by alanine, an amino acid with similar properties. This amino acid position is conserved. In addition, this alteration is predicted to be deleterious by in silico analysis. Based on the available evidence, the clinical significance of this variant remains unclear.

Labcorp Genetics (formerly Invitae), Labcorp
Classification: Uncertain significance for Baller-Gerold syndrome. Last evaluated: 2024-04-08. Review status: criteria provided, single submitter. Criteria: Invitae Variant Classification Sherloc (09022015). Collection method: clinical testing. Allele origin: germline.
Comment: This sequence change replaces threonine, which is neutral and polar, with alanine, which is neutral and non-polar, at codon 641 of the RECQL4 protein (p.Thr641Ala). This variant is not present in population databases (gnomAD no frequency). This variant has not been reported in the literature in individuals affected with RECQL4-related conditions. Advanced modeling of protein sequence and biophysical properties (such as structural, functional, and spatial information, amino acid conservation, physicochemical variation, residue mobility, and thermodynamic stability) performed at Invitae indicates that this missense variant is expected to disrupt RECQL4 protein function with a positive predictive value of 80%. In summary, the available evidence is currently insufficient to determine the role of this variant in disease. Therefore, it has been classified as a Variant of Uncertain Significance.